The following is an entry in ClinVar:

ClinVar aggregate classification (germline): Pathogenic (1 of 4 stars; one submission).

Submission:

Labcorp Genetics (formerly Invitae), Labcorp
Classification: Pathogenic. Last evaluated: 2025-04-17. Review status: criteria provided, single submitter. Criteria: Invitae Variant Classification Sherloc (09022015). Collection method: clinical testing. Allele origin: germline.
Comment: This sequence change creates a premature translational stop signal (p.Arg366Thrfs*2) in the LARP7 gene. It is expected to result in an absent or disrupted protein product. Loss-of-function variants in LARP7 are known to be pathogenic (PMID: 22865833, 26374271, 26607181). This variant is present in population databases (rs566464249, gnomAD 0.007%). This premature translational stop signal has been observed in individual(s) with clinical features of Alazami syndrome (PMID: 32244554). For these reasons, this variant has been classified as Pathogenic.

Literature cited by the submitters: PubMed 22865833; PubMed 26374271; PubMed 26607181; PubMed 32244554.

NM_016648.4(LARP7):c.1097_1098del (p.Arg366fs)

Genes: LARP7 (La ribonucleoprotein 7, transcriptional regulator; plus strand), MIR302CHG (miR-302/367 cluster host gene; minus strand). Cytogenetic location: 4q25.
Variant type: Microsatellite.
Coding change: c.1097_1098del on transcript NM_016648.4 (MANE Select); coding-DNA positions 1097 to 1098, 2 bases deleted (GA; older notation c.1097_1098delGA).
Protein change: p.Arg366fs; shifts the reading frame from arginine 366.
Molecular consequence: frameshift variant.
Genome position (GRCh38, 1-based): chr4:112,647,789-112,647,790, GA deleted; deleting any 2 consecutive bases within chr4:112,647,784-112,647,790 gives the same sequence; the c. name uses the placement nearest the transcript's 3' end. VCF-style (leftmost placement, unchanged base first): chr4-112647783-AAG-A. GRCh37 (hg19) VCF-style: chr4-113568939-AAG-A.
Other names: c.1097_1098del, p.Arg366fs (NM_001267039.4, NM_001370978.1, NM_015454.3); c.1136_1137del, p.Arg379fs (NM_001370974.1, NM_001370975.1); c.1133_1134del, p.Arg378fs (NM_001370976.1, NM_001370977.1); c.1094_1095del, p.Arg365fs (NM_001370979.1, NM_001370980.1); c.860_861del, p.Arg287fs (NM_001370981.1, NM_001370982.1); short protein forms R287fs, R365fs, R366fs, R378fs, R379fs.
Identifiers: ClinVar variation 3616867 (VCV003616867.2).